The following is an entry in ClinVar:

NM_001267550.2(TTN):c.25564G>A (p.Asp8522Asn)

Gene: TTN (titin; minus strand). Cytogenetic location: 2q31.2.
Variant type: single nucleotide variant.
Coding change: c.25564G>A on transcript NM_001267550.2 (MANE Select); coding-DNA position 25564, G replaced by A.
Protein change: p.Asp8522Asn; replaces aspartic acid 8522 with asparagine.
Molecular consequence: missense variant. On other transcripts: intron variant (3).
Genome position (GRCh38, 1-based): chr2:178,717,170, C>T on the plus strand (G>A on the coding strand, the complement: TTN is on the minus strand). VCF-style: chr2-178717170-C-T. GRCh37 (hg19) VCF-style: chr2-179581897-C-T.
Other names: c.24613G>A, p.Asp8205Asn (NM_001256850.1); c.13282+20912G>A (NM_003319.4); c.13858+20912G>A (NM_133437.4); c.13657+20912G>A (NM_133432.3); c.21832G>A, p.Asp7278Asn (NM_133378.4); short protein forms D8522N, D7278N, D8205N.
Identifiers: ClinVar variation 46761 (VCV000046761.16), dbSNP rs199619070, ClinGen allele CA139137.

ClinVar aggregate classification (germline): Conflicting classifications of pathogenicity. Review status: criteria provided, conflicting classifications (1 of 4 stars). 6 submissions from 6 submitters: Uncertain significance (5); Likely benign (1). Last evaluated 2025-04-09.

Conditions:
Dilated cardiomyopathy 1G (CMD1G). Identifiers: Orphanet 154, MedGen C1858763, MONDO:0011400, OMIM 604145.
Autosomal recessive limb-girdle muscular dystrophy type 2J (LGMDR10). Also called: Limb-girdle muscular dystrophy, type 2J; MUSCULAR DYSTROPHY, LIMB-GIRDLE, AUTOSOMAL RECESSIVE 10. Identifiers: Orphanet 140922, MedGen C1837342, MONDO:0012127, OMIM 608807.
Hypertrophic cardiomyopathy 9. Also called: Familial hypertrophic cardiomyopathy 9. Identifiers: MedGen C1861065, MONDO:0013412, OMIM 613765.
Tibial muscular dystrophy (TMD). Also called: Tibial muscular dystrophy, tardive; UDD MYOPATHY; Udd Distal Myopathy – Tibial Muscular Dystrophy. Identifiers: Orphanet 609, MedGen C1838244, MONDO:0010870, OMIM 600334.
Myopathy, myofibrillar, 9, with early respiratory failure (MFM9). Also called: MYOPATHY, PROXIMAL, WITH EARLY RESPIRATORY MUSCLE INVOLVEMENT; Myopathy, distal, with early respiratory failure, autosomal dominant; Hereditary myopathy with early respiratory failure; EDSTROM MYOPATHY. Identifiers: Orphanet 178464, Orphanet 34521, MedGen C1863599, MONDO:0011362, OMIM 603689.
Early-onset myopathy with fatal cardiomyopathy (CMYO5). Also called: CONGENITAL MYOPATHY 5 WITH CARDIOMYOPATHY; Salih Myopathy. Identifiers: Orphanet 289377, MedGen C2673677, MONDO:0012714, OMIM 611705. Disease mechanism: loss of function.

Allele frequency attached by ClinVar (database versions not stated): gnomAD exomes 0.00010 and 0.00017; TOPMed 0.00010; gnomAD 0.00013 and 0.00014; ExAC 0.00014; 1000 Genomes Project 30x 0.00016; 1000 Genomes Project 0.00020; ESP Exome Variant Server 0.00025.
gnomAD v4.1: 260 of 1,613,618 alleles (0.016%); highest among the groups gnomAD compares: Non-Finnish European, 0.021%; no homozygotes.

Submissions (6):

Molecular Diagnostic Laboratory for Inherited Cardiovascular Disease, Montreal Heart Institute
Classification: Likely benign. Last evaluated: 2025-04-09. Review status: criteria provided, single submitter. Criteria: ACMG Guidelines, 2015. Collection method: clinical testing. Allele origin: germline. Affected: no.

Revvity Omics, Revvity
Classification: Uncertain significance. Last evaluated: 2022-10-20. Review status: criteria provided, single submitter. Criteria: ACMG Guidelines, 2015. Collection method: clinical testing. Allele origin: germline.

Fulgent Genetics
Classification: Uncertain significance for Tibial muscular dystrophy; Myopathy, myofibrillar, 9, with early respiratory failure; Dilated cardiomyopathy 1G; Autosomal recessive limb-girdle muscular dystrophy type 2J; Early-onset myopathy with fatal cardiomyopathy; Hypertrophic cardiomyopathy 9. Last evaluated: 2021-10-19. Review status: criteria provided, single submitter. Criteria: ACMG Guidelines, 2015. Collection method: clinical testing. Allele origin: unknown.

Eurofins Ntd Llc (ga)
Classification: Uncertain significance. Last evaluated: 2018-06-29. Review status: criteria provided, single submitter. Criteria: EGL ClinVar v180209 classification definitions. Collection method: clinical testing. Allele origin: germline. Observed: 5 variant alleles, 5 heterozygotes.

Labcorp Genetics (formerly Invitae), Labcorp
Classification: Uncertain significance for Dilated cardiomyopathy 1G; Autosomal recessive limb-girdle muscular dystrophy type 2J. Last evaluated: 2017-06-12. Review status: criteria provided, single submitter. Criteria: Invitae Variant Classification Sherloc (09022015). Collection method: clinical testing. Allele origin: germline.

Laboratory for Molecular Medicine, Mass General Brigham Personalized Medicine
Classification: Uncertain significance. Last evaluated: 2011-12-01. Review status: criteria provided, single submitter. Criteria: LMM Criteria. Collection method: clinical testing. Allele origin: germline. Observed: 1 variant allele.
Comment: Aspartic acid (Asp) at position 7278) is moderately conserved in evolution, which does not argue strongly for or against a pathogenic role. Computational predictions are unavailable. In summary, addi tional data is needed to determine the clinical significance of this variant.